The following is an entry in ClinVar:

NM_000124.4(ERCC6):c.3436A>G (p.Ser1146Gly)

Gene: ERCC6 (ERCC excision repair 6, chromatin remodeling factor; minus strand). Cytogenetic location: 10q11.23.
Variant type: single nucleotide variant.
Coding change: c.3436A>G on transcript NM_000124.4 (MANE Select); coding-DNA position 3436, A replaced by G.
Protein change: p.Ser1146Gly; replaces serine 1146 with glycine.
Molecular consequence: missense variant.
Genome position (GRCh38, 1-based): chr10:49,470,524, T>C on the plus strand (A>G on the coding strand, the complement: ERCC6 is on the minus strand). VCF-style: chr10-49470524-T-C. GRCh37 (hg19) VCF-style: chr10-50678570-T-C.
Other names: c.3436A>G, p.Ser1146Gly (NM_001346440.2); short protein forms S1146G.
Identifiers: ClinVar variation 1986277 (VCV001986277.1), dbSNP rs115698897, ClinGen allele CA5495352.
Genomic context (GRCh38, chr10:49,470,524, plus strand): 5'-CTGTTTGAGCCTGGCTGGGTCTTTCTCTTTTGTAAGAAAGACCTAACTTTTCATCAATGC[T>C]TTCATCACCAGATGGCATAGAAGTTTTGCCTGTTCCTGAAGAATTTGAACATTCCCCATT-3'
Protein context (NP_000115.1, residues 1136-1156): GKTSMPSGDE[Ser1146Gly]IDEKLGLSYK

ClinVar aggregate classification (germline): Uncertain significance (1 of 4 stars; one submission).

Allele frequency attached by ClinVar (database versions not stated): TOPMed below 0.00001; ExAC 0.00001; gnomAD 0.00002; gnomAD exomes 0.00003; 1000 Genomes Project 30x 0.00016; 1000 Genomes Project 0.00020.
gnomAD v4.1: 23 of 1,614,240 alleles (0.0014%); highest among the groups gnomAD compares: East Asian, 0.049%; no homozygotes.

Submission:

Labcorp Genetics (formerly Invitae), Labcorp
Classification: Uncertain significance. Last evaluated: 2022-05-12. Review status: criteria provided, single submitter. Criteria: Invitae Variant Classification Sherloc (09022015). Collection method: clinical testing. Allele origin: germline.
Comment: This sequence change replaces serine, which is neutral and polar, with glycine, which is neutral and non-polar, at codon 1146 of the ERCC6 protein (p.Ser1146Gly). This variant is present in population databases (rs115698897, gnomAD 0.006%). This variant has not been reported in the literature in individuals affected with ERCC6-related conditions. Algorithms developed to predict the effect of missense changes on protein structure and function output the following: SIFT: "Deleterious"; PolyPhen-2: "Benign"; Align-GVGD: "Class C55". The glycine amino acid residue is found in multiple mammalian species, which suggests that this missense change does not adversely affect protein function. Algorithms developed to predict the effect of sequence changes on RNA splicing suggest that this variant may create or strengthen a splice site. In summary, the available evidence is currently insufficient to determine the role of this variant in disease. Therefore, it has been classified as a Variant of Uncertain Significance.